The following is an entry in ClinVar:

ClinVar aggregate classification (germline): Uncertain significance. Review status: criteria provided, multiple submitters, no conflicts (2 of 4 stars). 3 submissions from 3 submitters: Uncertain significance (3). Last evaluated 2025-12-10.

Conditions:
Inborn genetic diseases. Identifiers: MedGen C0950123, MeSH D030342.
Congenital sideroblastic anemia-B-cell immunodeficiency-periodic fever-developmental delay syndrome. Also called: Sideroblastic anemia with B-cell immunodeficiency, periodic fevers, and developmental delay. Identifiers: Orphanet 369861, MedGen C4015172, MONDO:0014487, OMIM 616084.

Allele frequency attached by ClinVar (database versions not stated): ExAC 0.00002; gnomAD exomes 0.00002 and 0.00004; gnomAD 0.00007; TOPMed 0.00013; 1000 Genomes Project 0.00020; 1000 Genomes Project 30x 0.00031.
gnomAD v4.1: 43 of 1,613,858 alleles (0.0027%); highest among the groups gnomAD compares: Admixed American, 0.027%; no homozygotes.

Submissions (3):

Ambry Genetics
Classification: Uncertain significance for Inborn genetic diseases. Last evaluated: 2025-12-10. Review status: criteria provided, single submitter. Criteria: Ambry Variant Classification Scheme 2023. Collection method: clinical testing. Allele origin: germline.

Blueprint Genetics
Classification: Uncertain significance. Last evaluated: 2024-09-09. Review status: criteria provided, single submitter. Criteria: ACMG Guidelines, 2015. Collection method: clinical testing. Allele origin: germline.

Labcorp Genetics (formerly Invitae), Labcorp
Classification: Uncertain significance for Congenital sideroblastic anemia-B-cell immunodeficiency-periodic fever-developmental delay syndrome. Last evaluated: 2022-08-19. Review status: criteria provided, single submitter. Criteria: Invitae Variant Classification Sherloc (09022015). Collection method: clinical testing. Allele origin: germline.
Comment: This sequence change replaces lysine, which is basic and polar, with arginine, which is basic and polar, at codon 283 of the TRNT1 protein (p.Lys283Arg). This variant is present in population databases (rs201174442, gnomAD 0.02%). This variant has not been reported in the literature in individuals affected with TRNT1-related conditions. ClinVar contains an entry for this variant (Variation ID: 941882). Algorithms developed to predict the effect of missense changes on protein structure and function output the following: SIFT: "Tolerated"; PolyPhen-2: "Benign"; Align-GVGD: "Class C0". The arginine amino acid residue is found in multiple mammalian species, which suggests that this missense change does not adversely affect protein function. In summary, the available evidence is currently insufficient to determine the role of this variant in disease. Therefore, it has been classified as a Variant of Uncertain Significance.

NM_182916.3(TRNT1):c.848A>G (p.Lys283Arg)

Gene: TRNT1 (tRNA nucleotidyl transferase 1; plus strand). Cytogenetic location: 3p26.2.
Variant type: single nucleotide variant.
Coding change: c.848A>G on transcript NM_182916.3 (MANE Select); coding-DNA position 848, A replaced by G.
Protein change: p.Lys283Arg; replaces lysine 283 with arginine.
Molecular consequence: missense variant. On other transcripts: non-coding transcript variant (8).
Genome position (GRCh38, 1-based): chr3:3,147,495, A>G. VCF-style: chr3-3147495-A-G. GRCh37 (hg19) VCF-style: chr3-3189179-A-G.
Other names: c.788A>G, p.Lys263Arg (NM_001302946.2); c.848A>G, p.Lys283Arg (NM_001367321.1, NM_001367322.1, NM_001367323.1); short protein forms K283R, K263R.
Identifiers: ClinVar variation 941882 (VCV000941882.7), dbSNP rs201174442, ClinGen allele CA2228815.